The following is an entry in ClinVar:

ClinVar aggregate classification (germline): Uncertain significance (1 of 4 stars; one submission).

Conditions:
Cardiovascular phenotype. Identifiers: MedGen CN230736.

Submission:

Ambry Genetics
Classification: Uncertain significance for Cardiovascular phenotype. Last evaluated: 2019-10-10. Review status: criteria provided, single submitter. Criteria: Ambry Variant Classification Scheme 2023. Collection method: clinical testing. Allele origin: germline.
Comment: The c.686G>C variant (also known as p.*229Sext*25), located in coding exon 5 of the SCN4B gene, results from a G to C substitution at nucleotide position 686, which is the second to last nucleotide of the SCN4B gene. The stop codon at position 229 is replaced by a serine, resulting in an elongation of the protein by 25 amino acids. Frameshifts are typically deleterious in nature, however, this frameshift occurs at the 3' terminus of SCN4B, is not expected to trigger nonsense-mediated mRNA decay, and results in the elongation of the protein by 25 amino acids. The exact functional impact of these inserted amino acids is unknown at this time. Since supporting evidence is limited at this time, the clinical significance of this alteration remains unclear.

NM_174934.4(SCN4B):c.686G>C (p.Ter229Ser)

Gene: SCN4B (sodium voltage-gated channel beta subunit 4; minus strand). Cytogenetic location: 11q23.3.
Variant type: single nucleotide variant.
Coding change: c.686G>C on transcript NM_174934.4 (MANE Select); coding-DNA position 686, G replaced by C.
Protein change: p.Ter229Ser.
Molecular consequence: stop lost. On other transcripts: non-coding transcript variant (1).
Genome position (GRCh38, 1-based): chr11:118,137,028, C>G on the plus strand (G>C on the coding strand, the complement: SCN4B is on the minus strand). VCF-style: chr11-118137028-C-G. GRCh37 (hg19) VCF-style: chr11-118007743-C-G.
Other names: c.284G>C, p.Ter95Ser (NM_001142348.2); c.356G>C, p.Ter119Ser (NM_001142349.2).
Identifiers: ClinVar variation 1755885 (VCV001755885.2), dbSNP rs2497548650, ClinGen allele CA382776446.